The following is an entry in ClinVar:

NM_000193.4(SHH):c.586G>A (p.Gly196Arg)

Gene: SHH (sonic hedgehog signaling molecule; minus strand). Cytogenetic location: 7q36.3.
Variant type: single nucleotide variant.
Coding change: c.586G>A on transcript NM_000193.4 (MANE Select); coding-DNA position 586, G replaced by A.
Protein change: p.Gly196Arg; replaces glycine 196 with arginine.
Molecular consequence: missense variant. On other transcripts: intron variant (1).
Genome position (GRCh38, 1-based): chr7:155,803,703, C>T on the plus strand (G>A on the coding strand, the complement: SHH is on the minus strand). VCF-style: chr7-155803703-C-T. GRCh37 (hg19) VCF-style: chr7-155596397-C-T.
Other names: c.301+2593G>A (NM_001310462.2); short protein forms G196R.
Identifiers: ClinVar variation 3375948 (VCV003375948.1).
Genomic context (GRCh38, chr7:155,803,703, plus strand): 5'-TCACCAGCTTGGTGCCGCCCTGCTCCAGGTGCACCGTGGCCGAGCCCGGGAAGCAGCCTC[C>T]CGATTTGGCCGCCACCGAGTTCTCTGCGGGTGAGGAGAAGGGAAAGAAGAGAGGACAGGG-3'
Protein context (NP_000184.1, residues 186-206): KAENSVAAKS[Gly196Arg]GCFPGSATVH

ClinVar aggregate classification (germline): Uncertain significance (1 of 4 stars; one submission).

Submission:

GeneDx
Classification: Uncertain significance. Last evaluated: 2024-05-01. Review status: criteria provided, single submitter. Criteria: GeneDx Variant Classification Process June 2021. Collection method: clinical testing. Allele origin: germline. Affected: yes.
Comment: Not observed at significant frequency in large population cohorts (gnomAD); In silico analysis supports that this missense variant has a deleterious effect on protein structure/function; Has not been previously published as pathogenic or benign to our knowledge